The following is an entry in ClinVar:

ClinVar aggregate classification (germline): Uncertain significance (1 of 4 stars; one submission).

Conditions:
Inborn genetic diseases. Identifiers: MedGen C0950123, MeSH D030342.

gnomAD v4.1: 15 of 1,614,168 alleles (0.00093%); highest among the groups gnomAD compares: Middle Eastern, 0.016%; no homozygotes.

Submission:

Ambry Genetics
Classification: Uncertain significance for Inborn genetic diseases. Last evaluated: 2024-11-25. Review status: criteria provided, single submitter. Criteria: Ambry Variant Classification Scheme 2023. Collection method: clinical testing. Allele origin: germline.
Comment: The p.A205V variant (also known as c.614C>T), located in coding exon 5 of the G6PC3 gene, results from a C to T substitution at nucleotide position 614. The alanine at codon 205 is replaced by valine, an amino acid with similar properties. This amino acid position is conserved. In addition, this alteration is predicted to be tolerated by in silico analysis. Based on the available evidence, the clinical significance of this variant remains unclear.

NM_138387.4(G6PC3):c.614C>T (p.Ala205Val)

Gene: G6PC3 (glucose-6-phosphatase catalytic subunit 3; plus strand). Cytogenetic location: 17q21.31.
Variant type: single nucleotide variant.
Coding change: c.614C>T on transcript NM_138387.4 (MANE Select); coding-DNA position 614, C replaced by T.
Protein change: p.Ala205Val; replaces alanine 205 with valine.
Molecular consequence: missense variant. On other transcripts: synonymous variant (1).
Genome position (GRCh38, 1-based): chr17:44,075,388, C>T. VCF-style: chr17-44075388-C-T. GRCh37 (hg19) VCF-style: chr17-42152756-C-T.
Other names: c.495C>T, p.Gly165= (NM_001319945.2); c.269C>T, p.Ala90Val (NM_001384165.1, NM_001384166.1, NM_001384167.1 and 1 more transcripts); short protein forms A205V, A90V.
Identifiers: ClinVar variation 3518058 (VCV003518058.1).